The following is an entry in ClinVar:

ClinVar aggregate classification (germline): Likely benign. Review status: criteria provided, single submitter (1 of 4 stars). 2 submissions from 2 submitters: Likely benign (1). 1 of the submissions does not count toward it. Last evaluated 2023-09-15.

Conditions:
EIF2B4-related disorder. Also called: EIF2B4-related condition.

Submissions (2):

Labcorp Genetics (formerly Invitae), Labcorp
Classification: Likely benign. Last evaluated: 2023-09-15. Review status: criteria provided, single submitter. Criteria: Invitae Variant Classification Sherloc (09022015). Collection method: clinical testing. Allele origin: germline.

PreventionGenetics, part of Exact Sciences
Classification: Likely benign for EIF2B4-related condition. Last evaluated: 2021-11-09. Review status: no assertion criteria provided. Collection method: clinical testing. Allele origin: germline. Not counted in ClinVar's aggregate classification.
Comment: This variant is classified as likely benign based on ACMG/AMP sequence variant interpretation guidelines (Richards et al. 2015 PMID: 25741868, with internal and published modifications).

NM_001034116.2(EIF2B4):c.600C>T (p.Ser200=)

Gene: EIF2B4 (eukaryotic translation initiation factor 2B subunit delta; minus strand). Cytogenetic location: 2p23.3.
Variant type: single nucleotide variant.
Coding change: c.600C>T on transcript NM_001034116.2 (MANE Select); coding-DNA position 600, C replaced by T.
Protein change: p.Ser200=; no amino-acid change (serine 200 retained).
Molecular consequence: synonymous variant. On other transcripts: intron variant (1).
Genome position (GRCh38, 1-based): chr2:27,368,130, G>A on the plus strand (C>T on the coding strand, the complement: EIF2B4 is on the minus strand). VCF-style: chr2-27368130-G-A. GRCh37 (hg19) VCF-style: chr2-27590997-G-A.
Other names: c.600C>T (NM_001034116.1); c.663C>T, p.Ser221= (NM_001318965.2); c.555C>T, p.Ser185= (NM_001318966.2); c.507C>T, p.Ser169= (NM_001318967.2); c.15C>T, p.Ser5= (NM_001318968.2); c.597C>T, p.Ser199= (NM_015636.4); c.660C>T, p.Ser220= (NM_172195.4); c.-2-17C>T (NM_001318969.2).
Identifiers: ClinVar variation 2955676 (VCV002955676.5), dbSNP rs753667257, ClinGen allele CA1576830.